The following is an entry in ClinVar:

NM_000098.3(CPT2):c.148C>T (p.Pro50Ser)

Genes: CPT2 (carnitine palmitoyltransferase 2; plus strand), LOC129930561 (ATAC-STARR-seq lymphoblastoid silent region 902; plus strand). Cytogenetic location: 1p32.3.
Variant type: single nucleotide variant.
Coding change: c.148C>T on transcript NM_000098.3 (MANE Select); coding-DNA position 148, C replaced by T.
Protein change: p.Pro50Ser; replaces proline 50 with serine.
Molecular consequence: missense variant.
Genome position (GRCh38, 1-based): chr1:53,197,091, C>T. VCF-style: chr1-53197091-C-T. GRCh37 (hg19) VCF-style: chr1-53662763-C-T.
Other names: c.148C>T, p.Pro50Ser (NM_001330589.2); short protein forms P50S.
Identifiers: ClinVar variation 2078263 (VCV002078263.4), dbSNP rs2525558524, ClinGen allele CA340388850.

ClinVar aggregate classification (germline): Likely pathogenic (1 of 4 stars; one submission).

Conditions:
Carnitine palmitoyltransferase II deficiency. Also called: Carnitine Palmitoyltransferase 2 Deficiency. Identifiers: Orphanet 157, MedGen C0342790, MONDO:0015515.

Submission:

Labcorp Genetics (formerly Invitae), Labcorp
Classification: Likely pathogenic for Carnitine palmitoyltransferase II deficiency. Last evaluated: 2025-06-24. Review status: criteria provided, single submitter. Criteria: Invitae Variant Classification Sherloc (09022015). Collection method: clinical testing. Allele origin: germline.
Comment: This sequence change replaces proline, which is neutral and non-polar, with serine, which is neutral and polar, at codon 50 of the CPT2 protein (p.Pro50Ser). This variant is not present in population databases (gnomAD no frequency). This variant has not been reported in the literature in individuals affected with CPT2-related conditions. ClinVar contains an entry for this variant (Variation ID: 2078263). Invitae Evidence Modeling of protein sequence and biophysical properties (such as structural, functional, and spatial information, amino acid conservation, physicochemical variation, residue mobility, and thermodynamic stability) has been performed for this missense variant. However, the output from this modeling did not meet the statistical confidence thresholds required to predict the impact of this variant on CPT2 protein function. This variant disrupts the p.Pro50 amino acid residue in CPT2. Other variant(s) that disrupt this residue have been determined to be pathogenic (PMID: 7711730, 10090476, 12410208, 12707442, 16996287, 17936304). This suggests that this residue is clinically significant, and that variants that disrupt this residue are likely to be disease-causing. In summary, the currently available evidence indicates that the variant is pathogenic, but additional data are needed to prove that conclusively. Therefore, this variant has been classified as Likely Pathogenic.

Literature cited by the submitters: PubMed 7711730; PubMed 10090476; PubMed 12410208; PubMed 12707442; PubMed 16996287; PubMed 17936304.